The following is an entry in ClinVar:

ClinVar aggregate classification (germline): Likely benign (1 of 4 stars; one submission).

Allele frequency attached by ClinVar (database versions not stated): TOPMed 0.00143; ESP Exome Variant Server 0.00192; 1000 Genomes Project 30x 0.00203; 1000 Genomes Project 0.00240; gnomAD exomes 0.00280; gnomAD 0.00373; ExAC 0.00504.
gnomAD v4.1: 4,655 of 1,613,954 alleles (0.29%); highest among the groups gnomAD compares: South Asian, 0.39%; 31 homozygotes.

Submission:

CeGaT Center for Human Genetics Tuebingen
Classification: Likely benign. Last evaluated: 2026-07-01. Review status: criteria provided, single submitter. Criteria: CeGaT Center For Human Genetics Tuebingen Variant Classification Criteria Version 2. Collection method: clinical testing. Allele origin: germline. Affected: yes. Observed: 6 variant alleles.
Comment: CEP112: BP4, BP7

NM_001199165.4(CEP112):c.2406G>A (p.Lys802=)

Gene: CEP112 (centrosomal protein 112; minus strand). Cytogenetic location: 17q24.1.
Variant type: single nucleotide variant.
Coding change: c.2406G>A on transcript NM_001199165.4 (MANE Select); coding-DNA position 2406, G replaced by A.
Protein change: p.Lys802=; no amino-acid change (lysine 802 retained).
Molecular consequence: synonymous variant.
Genome position (GRCh38, 1-based): chr17:65,750,713, C>T on the plus strand (G>A on the coding strand, the complement: CEP112 is on the minus strand). VCF-style: chr17-65750713-C-T. GRCh37 (hg19) VCF-style: chr17-63746831-C-T.
Other names: c.174G>A, p.Lys58= (NM_001037325.3); c.2280G>A, p.Lys760= (NM_001302891.3, NM_001353128.2); c.2406G>A, p.Lys802= (NM_001353127.2); c.2409G>A, p.Lys803= (NM_001353129.2).
Identifiers: ClinVar variation 2648108 (VCV002648108.24), dbSNP rs144305706, ClinGen allele CA8719322.